The following is an entry in ClinVar:

ClinVar aggregate classification (germline): Uncertain significance (1 of 4 stars; one submission).

Allele frequency attached by ClinVar (database versions not stated): gnomAD exomes 0.00003 and 0.00005; TOPMed 0.00004; gnomAD 0.00005 and 0.00006.
gnomAD v4.1: 26 of 1,613,520 alleles (0.0016%); highest among the groups gnomAD compares: Admixed American, 0.038%; no homozygotes.

Submission:

Labcorp Genetics (formerly Invitae), Labcorp
Classification: Uncertain significance. Last evaluated: 2022-11-01. Review status: criteria provided, single submitter. Criteria: Invitae Variant Classification Sherloc (09022015). Collection method: clinical testing. Allele origin: germline.
Comment: This sequence change replaces valine, which is neutral and non-polar, with glycine, which is neutral and non-polar, at codon 436 of the MAP3K20 protein (p.Val436Gly). This variant is present in population databases (no rsID available, gnomAD 0.04%). This variant has not been reported in the literature in individuals affected with MAP3K20-related conditions. ClinVar contains an entry for this variant (Variation ID: 1505626). Advanced modeling of protein sequence and biophysical properties (such as structural, functional, and spatial information, amino acid conservation, physicochemical variation, residue mobility, and thermodynamic stability) performed at Invitae indicates that this missense variant is not expected to disrupt MAP3K20 protein function. In summary, the available evidence is currently insufficient to determine the role of this variant in disease. Therefore, it has been classified as a Variant of Uncertain Significance.

NM_016653.3(MAP3K20):c.1307T>G (p.Val436Gly)

Genes: MAP3K20 (mitogen-activated protein kinase kinase kinase 20; plus strand), MAP3K20-AS1 (MAP3K20 antisense RNA 1; minus strand). Cytogenetic location: 2q31.1.
Variant type: single nucleotide variant.
Coding change: c.1307T>G on transcript NM_016653.3 (MANE Select); coding-DNA position 1307, T replaced by G.
Protein change: p.Val436Gly; replaces valine 436 with glycine.
Molecular consequence: missense variant.
Genome position (GRCh38, 1-based): chr2:173,239,444, T>G. VCF-style: chr2-173239444-T-G. GRCh37 (hg19) VCF-style: chr2-174104172-T-G.
Other names: short protein forms V436G.
Identifiers: ClinVar variation 1505626 (VCV001505626.3), dbSNP rs930000102, ClinGen allele CA60766743.